The following is an entry in ClinVar:

NM_000051.4(ATM):c.5882A>G (p.Tyr1961Cys)

Genes: ATM (ATM serine/threonine kinase; plus strand), C11orf65 (chromosome 11 open reading frame 65; minus strand). Cytogenetic location: 11q22.3.
Variant type: single nucleotide variant.
Coding change: c.5882A>G on transcript NM_000051.4 (MANE Select); coding-DNA position 5882, A replaced by G.
Protein change: p.Tyr1961Cys; replaces tyrosine 1961 with cysteine.
Molecular consequence: missense variant. On other transcripts: intron variant (2).
Genome position (GRCh38, 1-based): chr11:108,310,279, A>G. VCF-style: chr11-108310279-A-G. GRCh37 (hg19) VCF-style: chr11-108181006-A-G.
Other names: p.Y1961C:TAT>TGT; c.5882A>G, p.Tyr1961Cys (NM_001351834.2); c.641-1208T>C (NM_001330368.2); c.*39-1208T>C (NM_001351110.2); short protein forms Y1961C.
Identifiers: ClinVar variation 127413 (VCV000127413.51), dbSNP rs56399311, ClinGen allele CA286907.

ClinVar aggregate classification (germline): Conflicting classifications of pathogenicity. Review status: criteria provided, conflicting classifications (1 of 4 stars). 24 submissions from 23 submitters: Likely pathogenic (1); Uncertain significance (21); Likely benign (1). 1 of the submissions does not count toward it. Last evaluated 2026-10-01.

Conditions:
Cancer or benign tumor. Also called: Cell proliferation disorder. Identifiers: MedGen CN377727, MONDO:0045024.
ATM-related disorder. Also called: ATM-related disorders; ATM-related condition.
Hereditary cancer-predisposing syndrome. Also called: Neoplastic Syndromes, Hereditary; Hereditary Cancer Syndrome; Tumor predisposition; Hereditary neoplastic syndrome. Identifiers: Orphanet 140162, MedGen C0027672, MeSH D009386, MONDO:0015356.
Familial cancer of breast. Also called: BREAST CANCER, FAMILIAL; hereditary breast carcinoma; Hereditary breast cancer. Identifiers: Orphanet 227535, MedGen C0346153, MONDO:0016419, OMIM 114480. Disease mechanism: loss of function.
Ataxia-telangiectasia syndrome (AT). Also called: Ataxia-telangiectasia, complementation group D; AT, COMPLEMENTATION GROUP C; Ataxia-telangiectasia; ATAXIA-TELANGIECTASIA, COMPLEMENTATION GROUP A; ATAXIA-TELANGIECTASIA, FRESNO VARIANT; Ataxia-telangiectasia, complementation group E. Identifiers: Orphanet 100, MedGen C0004135, MONDO:0008840, OMIM 208900.
Breast carcinoma. Also called: Carcinoma of breast. Identifiers: MedGen C0678222, MONDO:0004989, HP:0003002.

Allele frequency attached by ClinVar (database versions not stated): TOPMed 0.00004; ExAC 0.00003; gnomAD exomes 0.00006 and 0.00004; ESP Exome Variant Server 0.00015; 1000 Genomes Project 30x 0.00016; 1000 Genomes Project 0.00020; gnomAD 0.00001 and 0.00003.
gnomAD v4.1: 93 of 1,613,612 alleles (0.0058%); highest among the groups gnomAD compares: Middle Eastern, 0.05%; no homozygotes.

Submissions 1 to 8 of 24:

St. Jude Molecular Pathology, St. Jude Children's Research Hospital
Classification: Uncertain significance for Ataxia-telangiectasia syndrome. Last evaluated: 2026-10-01. Review status: criteria provided, single submitter. Criteria: St. Jude Assertion Criteria 2020. Collection method: clinical testing. Allele origin: germline.
Comment: The ATM c.5882A>G p.(Tyr1961Cys) missense change has a maximum subpopulation frequency of 0.008% in gnomAD v2.1.1. The in silico tool REVEL is inconclusive about a pathogenic or benign effect of this variant on protein function. This variant was reported to have reduced kinase activity (PMID: 19431188). This variant was reportedly identified in an individual with ataxia telangiectasia, however, phenotypic details were not provided (PMID: 19431188). In summary, the evidence currently available is insufficient to determine the clinical significance of this variant. It has therefore been classified as of uncertain significance.

PreventionGenetics, part of Exact Sciences
Classification: Uncertain significance for ATM-related condition. Last evaluated: 2026-06-01. Review status: criteria provided, single submitter. Criteria: ACMG Guidelines, 2015. Collection method: clinical testing. Allele origin: germline.
Comment: The ATM c.5882A>G variant is predicted to result in the amino acid substitution p.Tyr1961Cys. This variant has been reported in individuals with chronic lymphocytic leukemia (CLL) (Barone et al. 2009. PubMed ID: 19431188), breast and/or ovarian cancer (Table S3, Girard et al. 2018. PubMed ID: 30303537; Table S5, Tsaousis et al. 2019. PubMed ID: 31159747), pancreatic cancer (Table S2, Chaffee et al. 2017. PubMed ID: 28726808), and prostate cancer (Karlsson et al. 2021. PubMed ID: 33436325). Functional studies indicate this variant has reduced ATM kinase activity (Barone et al. 2009. PubMed ID: 19431188). This variant is reported in 0.0079% of alleles in individuals of European (non-Finnish) descent in gnomAD. It has conflicting interpretations in ClinVar, ranging from likely pathogenic to likely benign (Variation ID: 127413). At this time, the clinical significance of this variant is uncertain due to the absence of conclusive functional and genetic evidence.

Labcorp Genetics (formerly Invitae), Labcorp
Classification: Likely benign for Ataxia-telangiectasia syndrome. Last evaluated: 2026-01-31. Review status: criteria provided, single submitter. Criteria: Invitae Variant Classification Sherloc (09022015). Collection method: clinical testing. Allele origin: germline.

ARUP Laboratories, Molecular Genetics and Genomics, ARUP Laboratories
Classification: Uncertain significance. Last evaluated: 2025-07-08. Review status: criteria provided, single submitter. Criteria: ARUP Molecular Germline Variant Investigation Process 2024. Collection method: clinical testing. Allele origin: germline.
Comment: The ATM c.5882A>G; p.Tyr1961Cys variant (rs56399311; ClinVar ID: 127413) is reported in the literature in several individuals affected with breast cancer or leukemia, although its clinical significance was not demonstrated (Barone 2009, Decker 2017, Girard 2019, Lampson 2023, Royo 2022). This variant is found in the general population with an overall allele frequency of 0.004% (10/251,076 alleles) in the Genome Aggregation Database (v2.1.1). Computational analyses are uncertain whether this variant is neutral or deleterious (REVEL: 0.611), although functional studies suggest the variant has reduced kinase activity (Barone 2009). Due to limited information, the clinical significance of this variant is uncertain at this time. References: Barone G et al. Modeling ATM mutant proteins from missense changes confirms retained kinase activity. Hum Mutat. 2009 Aug;30(8):1222-30. PMID: 19431188. Decker B et al. Rare, protein-truncating variants in ATM, CHEK2 and PALB2, but not XRCC2, are associated with increased breast cancer risks. J Med Genet. 2017 Nov;54(11):732-741. PMID: 28779002. Girard E et al. Familial breast cancer and DNA repair genes: Insights into known and novel susceptibility genes from the GENESIS study, and implications for multigene panel testing. Int J Cancer. 2019 Apr 15;144(8):1962-1974. PMID: 30303537. Lampson BL et al. Rare Germline ATM Variants Influence the Development of Chronic Lymphocytic Leukemia. J Clin Oncol. 2023 Feb 10;41(5):1116-1128. PMID: 36315919. Royo R et al. ATM germline variants in a young adult with chronic lymphocytic leukemia: 8?years of genomic evolution. Blood Cancer J. 2022 Jun 7;12(6):90. PMID: 35672297.

Revvity Omics, Revvity
Classification: Uncertain significance for Ataxia-telangiectasia syndrome. Last evaluated: 2025-05-06. Review status: criteria provided, single submitter. Criteria: ACMG Guidelines, 2015. Collection method: clinical testing. Allele origin: germline.

GeneDx
Classification: Uncertain significance. Last evaluated: 2025-02-19. Review status: criteria provided, single submitter. Criteria: GeneDx Variant Classification Process June 2021. Collection method: clinical testing. Allele origin: germline. Affected: yes.
Comment: Observed in individuals with breast cancer, pancreatic cancer, prostate cancer, and various forms of leukemia (PMID: 21933854, 25479140, 28779002, 28726808, 32957588, 33436325, 35672297); Published functional studies suggest a damaging effect: reduced kinase activity (PMID: 19431188); In silico analysis supports that this missense variant has a deleterious effect on protein structure/function; Not observed at significant frequency in large population cohorts (gnomAD); This variant is associated with the following publications: (PMID: 21933854, 22529920, 9622061, 16014569, 26787654, 27720647, 25479140, 28779002, 28726808, 25741868, 28652578, 17344846, 34426522, 32957588, 31159747, 30303537, 33436325, 35672297, 19431188, 26837699, 23532176, 34262154)

Color Diagnostics, LLC DBA Color Health
Classification: Uncertain significance for Hereditary cancer-predisposing syndrome. Last evaluated: 2025-01-13. Review status: criteria provided, single submitter. Criteria: ACMG Guidelines, 2015. Collection method: clinical testing. Allele origin: germline.
Comment: This missense variant replaces tyrosine with cysteine at codon 1961 of the ATM protein. Computational prediction is inconclusive regarding the impact of this variant on protein structure and function. A functional study has shown that the variant results in reduced ATM kinase activity in a cell line-based assay (PMID: 19431188). This variant has been reported in individuals affected with breast or pancreatic cancer (PMID: 25479140, 28726808, 28779002, 38354330). In a large case-control study, this variant was reported in 5/60461 breast cancer cases and 2/53459 controls (PMID: 33471991). This variant has also been identified in 10/251076 chromosomes in the general population by the Genome Aggregation Database (gnomAD). The available evidence is insufficient to determine the role of this variant in disease conclusively. Therefore, this variant is classified as a Variant of Uncertain Significance.

Ambry Genetics
Classification: Uncertain significance for Hereditary cancer-predisposing syndrome. Last evaluated: 2024-09-22. Review status: criteria provided, single submitter. Criteria: Ambry Variant Classification Scheme 2023. Collection method: clinical testing. Allele origin: germline.
Comment: The p.Y1961C variant (also known as c.5882A>G), located in coding exon 38 of the ATM gene, results from an A to G substitution at nucleotide position 5882. The tyrosine at codon 1961 is replaced by cysteine, an amino acid with highly dissimilar properties. This alteration has been reported in a patient with CLL and was shown to confer reduced, but not absent ATM kinase activity in in vitro studies (Barone G et al. Hum. Mutat. 2009 Aug;30:1222-30). This alteration has also been reported in breast and pancreatic cancer patients (Grant RC et al. Gastroenterology, 2015 Mar;148:556-64; Young EL et al. J. Med. Genet., 2016 06;53:366-76; Decker B et al. J. Med. Genet., 2017 11;54:732-741; Chaffee KG et al. Genet. Med., 2018 01;20:119-127; Tsaousis GN et al. BMC Cancer, 2019 Jun;19:535; Germani A et al. J Clin Med, 2020 Sep;9). This amino acid position is highly conserved in available vertebrate species. In addition, the in silico prediction for this alteration is inconclusive. Based on the available evidence, the clinical significance of this variant remains unclear.